The following is an entry in ClinVar:

ClinVar aggregate classification (germline): Likely pathogenic (1 of 4 stars; one submission).

Conditions:
Autosomal recessive limb-girdle muscular dystrophy type 2J (LGMDR10). Also called: Limb-girdle muscular dystrophy, type 2J; MUSCULAR DYSTROPHY, LIMB-GIRDLE, AUTOSOMAL RECESSIVE 10. Identifiers: Orphanet 140922, MedGen C1837342, MONDO:0012127, OMIM 608807.
Dilated cardiomyopathy 1G (CMD1G). Identifiers: Orphanet 154, MedGen C1858763, MONDO:0011400, OMIM 604145.

Submission:

Labcorp Genetics (formerly Invitae), Labcorp
Classification: Likely pathogenic for Dilated cardiomyopathy 1G; Autosomal recessive limb-girdle muscular dystrophy type 2J. Last evaluated: 2026-01-06. Review status: criteria provided, single submitter. Criteria: Invitae Variant Classification Sherloc (09022015). Collection method: clinical testing. Allele origin: germline.
Comment: This sequence change creates a premature translational stop signal (p.Asp16177Lysfs*2) in the TTN gene. While this is not anticipated to result in nonsense mediated decay, it is expected to create a truncated TTN protein. This variant is not present in population databases (gnomAD no frequency). This variant has not been reported in the literature in individuals affected with TTN-related conditions. This variant is located in the A band of TTN (PMID: 25589632). Truncating variants in this region are significantly overrepresented in patients affected with dilated cardiomyopathy (PMID: 25589632). Truncating variants in this region have also been reported in individuals affected with autosomal recessive centronuclear myopathy (PMID: 23975875). In summary, the currently available evidence indicates that the variant is pathogenic, but additional data are needed to prove that conclusively. Therefore, this variant has been classified as Likely Pathogenic.

Literature cited by the submitters: PubMed 25589632; PubMed 23975875.

NM_001267550.2(TTN):c.48529_48539del (p.Asp16177fs)

Genes: TTN (titin; minus strand), TTN-AS1 (TTN antisense RNA 1; plus strand). Cytogenetic location: 2q31.2.
Variant type: Deletion.
Coding change: c.48529_48539del on transcript NM_001267550.2 (MANE Select); coding-DNA positions 48529 to 48539, 11 bases deleted (GATCCACCTAA).
Protein change: p.Asp16177fs; shifts the reading frame from aspartic acid 16177.
Molecular consequence: frameshift variant.
Genome position (GRCh38, 1-based): chr2:178,615,406-178,615,416, TTAGGTGGATC deleted on the plus strand (GATCCACCTAA on the coding strand, the reverse complement: TTN is on the minus strand). VCF-style (leftmost placement, unchanged base first): chr2-178615405-TTTAGGTGGATC-T. GRCh37 (hg19) VCF-style: chr2-179480132-TTTAGGTGGATC-T.
Other names: c.43606_43616del, p.Asp14536fs (NM_001256850.1); c.21334_21344del, p.Asp7112fs (NM_003319.4); c.40825_40835del, p.Asp13609fs (NM_133378.4); c.21709_21719del, p.Asp7237fs (NM_133432.3); c.21910_21920del, p.Asp7304fs (NM_133437.4); short protein forms D13609fs, D14536fs, D7304fs, D7112fs, D16177fs, D7237fs.
Identifiers: ClinVar variation 4786398 (VCV004786398.1).